The following is an entry in ClinVar:

ClinVar aggregate classification (germline): Uncertain significance (1 of 4 stars; one submission).

Conditions:
Emery-Dreifuss muscular dystrophy 5, autosomal dominant (EDMD5). Also called: EMERY-DREIFUSS MUSCULAR DYSTROPHY 5. Identifiers: Orphanet 261, MedGen C2751805, MONDO:0013072, OMIM 612999.

Submission:

Labcorp Genetics (formerly Invitae), Labcorp
Classification: Uncertain significance for Emery-Dreifuss muscular dystrophy 5, autosomal dominant. Last evaluated: 2023-05-12. Review status: criteria provided, single submitter. Criteria: Invitae Variant Classification Sherloc (09022015). Collection method: clinical testing. Allele origin: germline.
Comment: This sequence change replaces glutamine, which is neutral and polar, with lysine, which is basic and polar, at codon 5690 of the SYNE2 protein (p.Gln5690Lys). This variant is not present in population databases (gnomAD no frequency). This variant has not been reported in the literature in individuals affected with SYNE2-related conditions. An algorithm developed to predict the effect of missense changes on protein structure and function (PolyPhen-2) suggests that this variant is likely to be disruptive. In summary, the available evidence is currently insufficient to determine the role of this variant in disease. Therefore, it has been classified as a Variant of Uncertain Significance.

NM_182914.3(SYNE2):c.17068C>A (p.Gln5690Lys)

Gene: SYNE2 (spectrin repeat containing nuclear envelope protein 2; plus strand). Cytogenetic location: 14q23.2.
Variant type: single nucleotide variant.
Coding change: c.17068C>A on transcript NM_182914.3 (MANE Select); coding-DNA position 17068, C replaced by A.
Protein change: p.Gln5690Lys; replaces glutamine 5690 with lysine.
Molecular consequence: missense variant.
Genome position (GRCh38, 1-based): chr14:64,170,295, C>A. VCF-style: chr14-64170295-C-A. GRCh37 (hg19) VCF-style: chr14-64637013-C-A.
Other names: c.17068C>A, p.Gln5690Lys (NM_015180.6); short protein forms Q5690K.
Identifiers: ClinVar variation 2863718 (VCV002863718.3), dbSNP rs2098404530, ClinGen allele CA389972906.